The following is an entry in ClinVar:

NM_005591.4(MRE11):c.776A>G (p.Gln259Arg)

Gene: MRE11 (MRE11 double strand break repair nuclease; minus strand). Cytogenetic location: 11q21.
Variant type: single nucleotide variant.
Coding change: c.776A>G on transcript NM_005591.4 (MANE Select); coding-DNA position 776, A replaced by G.
Protein change: p.Gln259Arg; replaces glutamine 259 with arginine.
Molecular consequence: missense variant.
Genome position (GRCh38, 1-based): chr11:94,471,643, T>C on the plus strand (A>G on the coding strand, the complement: MRE11 is on the minus strand). VCF-style: chr11-94471643-T-C. GRCh37 (hg19) VCF-style: chr11-94204809-T-C.
Other names: c.776A>G, p.Gln259Arg (NM_001330347.2, NM_005590.4); short protein forms Q259R.
Identifiers: ClinVar variation 1800139 (VCV001800139.2), dbSNP rs2496495386, ClinGen allele CA382375666.

ClinVar aggregate classification (germline): Uncertain significance (1 of 4 stars; one submission).

Conditions:
Hereditary cancer-predisposing syndrome. Also called: Neoplastic Syndromes, Hereditary; Tumor predisposition; Hereditary Cancer Syndrome; Hereditary neoplastic syndrome. Identifiers: Orphanet 140162, MedGen C0027672, MeSH D009386, MONDO:0015356.

Submission:

Ambry Genetics
Classification: Uncertain significance for Hereditary cancer-predisposing syndrome. Last evaluated: 2021-03-06. Review status: criteria provided, single submitter. Criteria: Ambry Variant Classification Scheme 2023. Collection method: clinical testing. Allele origin: germline.
Comment: The p.Q259R variant (also known as c.776A>G), located in coding exon 7 of the MRE11A gene, results from an A to G substitution at nucleotide position 776. The glutamine at codon 259 is replaced by arginine, an amino acid with highly similar properties. This amino acid position is highly conserved in available vertebrate species. In addition, this alteration is predicted to be tolerated by in silico analysis. Since supporting evidence is limited at this time, the clinical significance of this alteration remains unclear.